The following is an entry in ClinVar:

ClinVar aggregate classification (germline): Pathogenic. Review status: criteria provided, multiple submitters, no conflicts (2 of 4 stars). 7 submissions from 7 submitters: Pathogenic (5). 2 of the submissions do not count toward it. Last evaluated 2024-10-21.

Conditions:
Retinal dystrophy. Also called: Inherited retinal dystrophy. Identifiers: Orphanet 71862, MedGen C0854723, MeSH D058499, MONDO:0019118, HP:0000556.
Achromatopsia. Also called: Rod monochromatism. Identifiers: Orphanet 49382, MedGen C0152200, MONDO:0018852, HP:0011516.
Achromatopsia 3 (ACHM3). Also called: ACHROMATOPSIA WITH MYOPIA; PINGELAPESE BLINDNESS; TOTAL COLORBLINDNESS WITH MYOPIA; ROD MONOCHROMACY 1; ROD MONOCHROMATISM 1. Identifiers: Orphanet 49382, MedGen C1849792, MONDO:0009875, OMIM 262300.

Allele frequency attached by ClinVar (database versions not stated): gnomAD 0.00001; ExAC 0.00002.
gnomAD v4.1: 13 of 1,604,956 alleles (0.00081%); highest among the groups gnomAD compares: East Asian, 0.0067%; no homozygotes.

Submissions (7):

Natera, Inc.
Classification: Pathogenic for Achromatopsia. Last evaluated: 2024-10-21. Review status: criteria provided, single submitter. Criteria: Natera Variant Classification Schema (03/2026). Collection method: clinical testing. Allele origin: germline.
Comment: The c.1063C>T variant in CNGB3 is a nonsense variant predicted to introduce a stop codon at amino acid 355. This variant is expected to result in nonsense mediated decay, truncation, or a dysfunctional protein product. This variant is rare in the general population with a frequency below the threshold expected for the associated phenotype(s). This variant has been observed in one or more individuals affected with the associated recessive disease, as either homozygous or compound heterozygous with a second variant (PMID: 32783370, 32913385). This variant has been observed to segregate in affected family members (PMID: 28795510, 32913385). Given the available evidence, this variant is classified as Pathogenic.

Ophthalmic Genetics Group, Institute of Molecular and Clinical Ophthalmology Basel
Classification: Pathogenic for Retinal dystrophy. Last evaluated: 2024-05-27. Review status: criteria provided, single submitter. Criteria: ACMG Guidelines, 2015. Collection method: research. Allele origin: germline. Affected: yes. Observed: 2 variant alleles.
Comment: This variant was classified as Pathogenic based on ACMG criteria: PVS1_very strong, PM2_mod, PM3_very strong

Labcorp Genetics (formerly Invitae), Labcorp
Classification: Pathogenic. Last evaluated: 2024-02-18. Review status: criteria provided, single submitter. Criteria: Invitae Variant Classification Sherloc (09022015). Collection method: clinical testing. Allele origin: germline.
Comment: This sequence change creates a premature translational stop signal (p.Arg355*) in the CNGB3 gene. It is expected to result in an absent or disrupted protein product. Loss-of-function variants in CNGB3 are known to be pathogenic (PMID: 28795510). This variant is present in population databases (rs764742792, gnomAD 0.01%). This premature translational stop signal has been observed in individuals with Achromatopsia (PMID: 28795510). ClinVar contains an entry for this variant (Variation ID: 427687). For these reasons, this variant has been classified as Pathogenic.

3billion
Classification: Pathogenic for Achromatopsia 3. Last evaluated: 2022-05-22. Review status: criteria provided, single submitter. Criteria: ACMG Guidelines, 2015. Collection method: clinical testing. Allele origin: germline. Affected: yes. Observed: 1 heterozygote.
Comment: The variant is observed at an extremely low frequency in the gnomAD v2.1.1 dataset (total allele frequency: 0.002%). Stop-gained (nonsense): predicted to result in a loss or disruption of normal protein function through nonsense-mediated decay (NMD) or protein truncation. Multiple pathogenic variants are reported downstream of the variant. The variant has been reported at least twice as pathogenic without evidence for the classification (ClinVar ID: VCV000427687). Therefore, this variant is classified as pathogenic according to the recommendation of ACMG/AMP guideline.

Revvity Omics, Revvity
Classification: Pathogenic for Achromatopsia 3. Last evaluated: 2020-09-02. Review status: criteria provided, single submitter. Criteria: ACMG Guidelines, 2015. Collection method: clinical testing. Allele origin: germline.

Counsyl
Classification: Likely pathogenic for Achromatopsia 3. Last evaluated: 2017-06-16. Review status: no assertion criteria provided. Collection method: clinical testing. Allele origin: unknown. Not counted in ClinVar's aggregate classification.

Molecular Genetics Laboratory, Institute for Ophthalmic Research
Classification: Pathogenic for ACHM3. Last evaluated: 2017-03-27. Review status: no assertion criteria provided. Collection method: research. Allele origin: germline. Affected: yes. Not counted in ClinVar's aggregate classification.

Literature cited by the submitters: PubMed 32783370 (cited by Natera, Inc.); PubMed 32913385 (cited by Natera, Inc.); PubMed 28795510 (cited by 3 submitters); PubMed 40180963 (cited by Ophthalmic Genetics Group, Institute of Molecular and Clinical Ophthalmology Basel); PubMed 15657609 (cited by Counsyl).

NM_019098.5(CNGB3):c.1063C>T (p.Arg355Ter)

Gene: CNGB3 (cyclic nucleotide gated channel subunit beta 3; minus strand). Cytogenetic location: 8q21.3.
Variant type: single nucleotide variant.
Coding change: c.1063C>T on transcript NM_019098.5 (MANE Select); coding-DNA position 1063, C replaced by T.
Protein change: p.Arg355Ter; replaces arginine 355 with a stop codon.
Molecular consequence: nonsense.
Genome position (GRCh38, 1-based): chr8:86,643,866, G>A on the plus strand (C>T on the coding strand, the complement: CNGB3 is on the minus strand). VCF-style: chr8-86643866-G-A. GRCh37 (hg19) VCF-style: chr8-87656094-G-A.
Other names: NP_061971.3:p.(Arg355Ter); short protein forms R355*.
Identifiers: ClinVar variation 427687 (VCV000427687.19), dbSNP rs764742792, ClinGen allele CA4800162.
Genomic context (GRCh38, chr8:86,643,866, plus strand): 5'-AAGCCCAGTAATAAACACAGGCATTAATGTGCAGAATAAACAGCAAGTATCCAGTTGTTC[G>A]AATAACTCTGTCAGAGAGAATAGATGCAAAGTAAGATTCATGTTGTTTCTGAAATACAGC-3'